The following is an entry in ClinVar:

ClinVar aggregate classification (germline): Uncertain significance (1 of 4 stars; one submission).

Submission:

GeneDx
Classification: Uncertain significance. Last evaluated: 2014-06-03. Review status: criteria provided, single submitter. Criteria: GeneDx Variant Classification (06012015). Collection method: clinical testing. Allele origin: germline. Affected: yes.
Comment: The c.63+2 T>C variant has not been published as a mutation, nor has it been reported as a benign polymorphism to our knowledge. The c.63+2 T>C variant alters the canonical splice donor site in intron 1 and is expected to lead to abnormal splicing. To date, only missense mutations in the EFHC1 gene have been associated with myoclonic epilepsy.The variant is found in EPILEPSY panel(s).

NM_018100.4(EFHC1):c.63+2T>C

Gene: EFHC1 (EF-hand domain containing 1; plus strand). Cytogenetic location: 6p12.2.
Variant type: single nucleotide variant.
Coding change: c.63+2T>C on transcript NM_018100.4 (MANE Select); the canonical splice donor site of the intron after coding-DNA position 63, T replaced by C.
Molecular consequence: splice donor variant.
Genome position (GRCh38, 1-based): chr6:52,420,475, T>C. VCF-style: chr6-52420475-T-C. GRCh37 (hg19) VCF-style: chr6-52285273-T-C.
Identifiers: ClinVar variation 205419 (VCV000205419.2), dbSNP rs796052420, ClinGen allele CA314472.